The following is an entry in ClinVar:

ClinVar aggregate classification (germline): Pathogenic (1 of 4 stars; one submission).

Conditions:
Tuberous sclerosis 2 (TSC2). Identifiers: Orphanet 805, MedGen C1860707, MONDO:0013199, OMIM 613254.

Submission:

Labcorp Genetics (formerly Invitae), Labcorp
Classification: Pathogenic for Tuberous sclerosis 2. Last evaluated: 2023-11-27. Review status: criteria provided, single submitter. Criteria: Invitae Variant Classification Sherloc (09022015). Collection method: clinical testing. Allele origin: germline.
Comment: This sequence change creates a premature translational stop signal (p.Leu18Serfs*17) in the TSC2 gene. It is expected to result in an absent or disrupted protein product. Loss-of-function variants in TSC2 are known to be pathogenic (PMID: 10205261, 17304050). This variant is not present in population databases (gnomAD no frequency). This variant has not been reported in the literature in individuals affected with TSC2-related conditions. Algorithms developed to predict the effect of sequence changes on RNA splicing suggest that this variant may disrupt the consensus splice site. For these reasons, this variant has been classified as Pathogenic.

Literature cited by the submitters: PubMed 10205261; PubMed 17304050.

NM_000548.5(TSC2):c.51dup (p.Leu18fs)

Gene: TSC2 (TSC complex subunit 2; plus strand). Cytogenetic location: 16p13.3.
Variant type: Duplication.
Coding change: c.51dup on transcript NM_000548.5 (MANE Select); coding-DNA position 51, one base duplicated (T; older notation c.51dupT).
Protein change: p.Leu18fs; shifts the reading frame from leucine 18.
Molecular consequence: frameshift variant. On other transcripts: 5 prime UTR variant (19), non-coding transcript variant (5), intron variant (6).
Genome position (GRCh38, 1-based): chr16:2,048,666, T duplicated; the last of 2 consecutive T bases (chr16:2,048,665-2,048,666); duplicating either gives the same sequence. VCF-style (leftmost placement, unchanged base first): chr16-2048664-A-AT. GRCh37 (hg19) VCF-style: chr16-2098665-A-AT.
Other names: c.51dup, p.Leu18fs (NM_001114382.3, NM_001318827.2, NM_001363528.2 and 13 more transcripts); c.-176dup (NM_001318831.2, NM_001406684.1, NM_001406685.1 and 2 more transcripts); c.84dup, p.Leu29fs (NM_001318832.2); c.-766dup (NM_001406683.1, NM_001406680.1, NM_001406687.1); c.-395dup (NM_001406681.1); c.-1381dup (NM_001406689.1, NM_001406690.1, NM_001406691.1 and 2 more transcripts); c.-1687dup (NM_001406693.1); c.-1262dup (NM_001406694.1, NM_001406695.1); and 4 more; short protein forms L18fs, L29fs.
Identifiers: ClinVar variation 2699364 (VCV002699364.3), dbSNP rs2548349199, ClinGen allele CA2697549548.